The following is an entry in ClinVar:

NM_138387.4(G6PC3):c.1000A>G (p.Met334Val)

Gene: G6PC3 (glucose-6-phosphatase catalytic subunit 3; plus strand). Cytogenetic location: 17q21.31.
Variant type: single nucleotide variant.
Coding change: c.1000A>G on transcript NM_138387.4 (MANE Select); coding-DNA position 1000, A replaced by G.
Protein change: p.Met334Val; replaces methionine 334 with valine.
Molecular consequence: missense variant. On other transcripts: 3 prime UTR variant (1).
Genome position (GRCh38, 1-based): chr17:44,076,002, A>G. VCF-style: chr17-44076002-A-G. GRCh37 (hg19) VCF-style: chr17-42153370-A-G.
Other names: c.*293A>G (NM_001319945.2); c.655A>G, p.Met219Val (NM_001384165.1, NM_001384166.1, NM_001384167.1 and 1 more transcripts); short protein forms M219V, M334V.
Identifiers: ClinVar variation 4620484 (VCV004620484.1).

ClinVar aggregate classification (germline): Uncertain significance (1 of 4 stars; one submission).

Conditions:
Inborn genetic diseases. Identifiers: MedGen C0950123, MeSH D030342.

Submission:

Ambry Genetics
Classification: Uncertain significance for Inborn genetic diseases. Last evaluated: 2025-09-22. Review status: criteria provided, single submitter. Criteria: Ambry Variant Classification Scheme 2023. Collection method: clinical testing. Allele origin: germline.
Comment: The p.M334V variant (also known as c.1000A>G), located in coding exon 6 of the G6PC3 gene, results from an A to G substitution at nucleotide position 1000. The methionine at codon 334 is replaced by valine, an amino acid with highly similar properties. This amino acid position is conserved. In addition, this alteration is predicted to be tolerated by in silico analysis. Based on the available evidence, the clinical significance of this variant remains unclear.